The following is an entry in ClinVar:

NM_001330700.2(TOP2B):c.4831G>C (p.Ala1611Pro)

Gene: TOP2B (DNA topoisomerase II beta; minus strand). Cytogenetic location: 3p24.2.
Variant type: single nucleotide variant.
Coding change: c.4831G>C on transcript NM_001330700.2 (MANE Select); coding-DNA position 4831, G replaced by C.
Protein change: p.Ala1611Pro; replaces alanine 1611 with proline.
Molecular consequence: missense variant.
Genome position (GRCh38, 1-based): chr3:25,598,357, C>G on the plus strand (G>C on the coding strand, the complement: TOP2B is on the minus strand). VCF-style: chr3-25598357-C-G. GRCh37 (hg19) VCF-style: chr3-25639848-C-G.
Other names: c.4816G>C, p.Ala1606Pro (NM_001068.3); short protein forms A1606P, A1611P.
Identifiers: ClinVar variation 2845847 (VCV002845847.3), dbSNP rs2529843558, ClinGen allele CA351889953.

ClinVar aggregate classification (germline): Uncertain significance (1 of 4 stars; one submission).

Submission:

Labcorp Genetics (formerly Invitae), Labcorp
Classification: Uncertain significance. Last evaluated: 2023-10-19. Review status: criteria provided, single submitter. Criteria: Invitae Variant Classification Sherloc (09022015). Collection method: clinical testing. Allele origin: germline.
Comment: This sequence change replaces alanine, which is neutral and non-polar, with proline, which is neutral and non-polar, at codon 1606 of the TOP2B protein (p.Ala1606Pro). This variant is not present in population databases (gnomAD no frequency). This variant has not been reported in the literature in individuals affected with TOP2B-related conditions. An algorithm developed to predict the effect of missense changes on protein structure and function (PolyPhen-2) suggests that this variant is likely to be disruptive. In summary, the available evidence is currently insufficient to determine the role of this variant in disease. Therefore, it has been classified as a Variant of Uncertain Significance.